The following is an entry in ClinVar:

ClinVar aggregate classification (germline): Uncertain significance (1 of 4 stars; one submission).

Allele frequency attached by ClinVar (database versions not stated): TOPMed below 0.00001.
gnomAD v4.1: 1 of 1,614,154 alleles (0.000062%); highest among the groups gnomAD compares: African/African-American, 0.0013%; no homozygotes.

Submission:

Labcorp Genetics (formerly Invitae), Labcorp
Classification: Uncertain significance. Last evaluated: 2019-11-28. Review status: criteria provided, single submitter. Criteria: Invitae Variant Classification Sherloc (09022015). Collection method: clinical testing. Allele origin: germline.
Comment: In summary, the available evidence is currently insufficient to determine the role of this variant in disease. Therefore, it has been classified as a Variant of Uncertain Significance. Algorithms developed to predict the effect of missense changes on protein structure and function (SIFT, PolyPhen-2, Align-GVGD) all suggest that this variant is likely to be tolerated, but these predictions have not been confirmed by published functional studies and their clinical significance is uncertain. This variant has not been reported in the literature in individuals with TTLL5-related conditions. This variant is not present in population databases (ExAC no frequency). This sequence change replaces serine with threonine at codon 558 of the TTLL5 protein (p.Ser558Thr). The serine residue is moderately conserved and there is a small physicochemical difference between serine and threonine.

NM_015072.5(TTLL5):c.1673G>C (p.Ser558Thr)

Gene: TTLL5 (tubulin tyrosine ligase like 5; plus strand). Cytogenetic location: 14q24.3.
Variant type: single nucleotide variant.
Coding change: c.1673G>C on transcript NM_015072.5 (MANE Select); coding-DNA position 1673, G replaced by C.
Protein change: p.Ser558Thr; replaces serine 558 with threonine.
Molecular consequence: missense variant.
Genome position (GRCh38, 1-based): chr14:75,764,737, G>C. VCF-style: chr14-75764737-G-C. GRCh37 (hg19) VCF-style: chr14-76231080-G-C.
Other names: short protein forms S558T.
Identifiers: ClinVar variation 860837 (VCV000860837.9), dbSNP rs771095455, ClinGen allele CA390466466.